The following is an entry in ClinVar:

NM_001297.5(CNGB1):c.2632C>T (p.Gln878Ter)

Gene: CNGB1 (cyclic nucleotide gated channel subunit beta 1; minus strand). Cytogenetic location: 16q21.
Variant type: single nucleotide variant.
Coding change: c.2632C>T on transcript NM_001297.5 (MANE Select); coding-DNA position 2632, C replaced by T.
Protein change: p.Gln878Ter; replaces glutamine 878 with a stop codon.
Molecular consequence: nonsense.
Genome position (GRCh38, 1-based): chr16:57,904,736, G>A on the plus strand (C>T on the coding strand, the complement: CNGB1 is on the minus strand). VCF-style: chr16-57904736-G-A. GRCh37 (hg19) VCF-style: chr16-57938640-G-A.
Other names: c.2614C>T, p.Gln872Ter (NM_001286130.2); short protein forms Q872*, Q878*.
Identifiers: ClinVar variation 4845805 (VCV004845805.1).

ClinVar aggregate classification (germline): Likely pathogenic (1 of 4 stars; one submission).

Conditions:
Retinitis pigmentosa 45 (RP45). Identifiers: Orphanet 791, MedGen C3151066, MONDO:0013413, OMIM 613767.

gnomAD v4.1: 1 of 1,614,116 alleles (0.000062%); highest among the groups gnomAD compares: Non-Finnish European, 0.000085%; no homozygotes.

Submission:

First Genomix Gene Laboratory, Genetic Diagnostics Department
Classification: Likely pathogenic for Retinitis pigmentosa 45. Last evaluated: 2025-03-25. Review status: criteria provided, single submitter. Criteria: ACMG Guidelines, 2015. Collection method: clinical testing. Allele origin: germline. Inheritance: Autosomal recessive inheritance. Affected: no. Observed: 1 variant allele.